The following is an entry in ClinVar:

ClinVar aggregate classification (germline): Benign/Likely benign. Review status: criteria provided, multiple submitters, no conflicts (2 of 4 stars). 3 submissions from 3 submitters: Benign (2); Likely benign (1). Last evaluated 2025-12-24.

Conditions:
Focal segmental glomerulosclerosis 3, susceptibility to (FSGS3). Identifiers: Orphanet 656, MedGen C1842982, MONDO:0011917, OMIM 607832.

Allele frequency attached by ClinVar (database versions not stated): 1000 Genomes Project 0.00040; 1000 Genomes Project 30x 0.00047; gnomAD 0.00072 and 0.00078; TOPMed 0.00080; ExAC 0.00083; gnomAD exomes 0.00091; ESP Exome Variant Server 0.00092.
gnomAD v4.1: 1,998 of 1,418,596 alleles (0.14%); highest among the groups gnomAD compares: South Asian, 0.22%; 2 homozygotes.

Submissions (3):

Labcorp Genetics (formerly Invitae), Labcorp
Classification: Benign. Last evaluated: 2025-12-24. Review status: criteria provided, single submitter. Criteria: Invitae Variant Classification Sherloc (09022015). Collection method: clinical testing. Allele origin: germline.

Blueprint Genetics
Classification: Likely benign. Last evaluated: 2024-11-19. Review status: criteria provided, single submitter. Criteria: ACMG Guidelines, 2015. Collection method: clinical testing. Allele origin: germline.

Illumina Laboratory Services, Illumina
Classification: Benign for Focal segmental glomerulosclerosis 3, susceptibility to. Last evaluated: 2018-01-12. Review status: criteria provided, single submitter. Criteria: ICSL Variant Classification Criteria 13 December 2019. Collection method: clinical testing. Allele origin: germline.
Comment: This variant was observed in the ICSL laboratory as part of a predisposition screen in an ostensibly healthy population. It had not been previously curated by ICSL or reported in the Human Gene Mutation Database (HGMD: prior to June 1st, 2018), and was therefore a candidate for classification through an automated scoring system. Utilizing variant allele frequency, disease prevalence and penetrance estimates, and inheritance mode, an automated score was calculated to assess if this variant is too frequent to cause the disease. Based on the score and internal cut-off values, a variant classified as benign is not then subjected to further curation. The score for this variant resulted in a classification of benign for this disease.

NM_012120.3(CD2AP):c.1530+12T>G

Gene: CD2AP (CD2 associated protein; plus strand). Cytogenetic location: 6p12.3.
Variant type: single nucleotide variant.
Coding change: c.1530+12T>G on transcript NM_012120.3 (MANE Select); 12 bases into the intron after coding-DNA position 1530, T replaced by G.
Molecular consequence: intron variant.
Genome position (GRCh38, 1-based): chr6:47,606,289, T>G. VCF-style: chr6-47606289-T-G. GRCh37 (hg19) VCF-style: chr6-47574025-T-G.
Identifiers: ClinVar variation 910394 (VCV000910394.12), dbSNP rs201842906, ClinGen allele CA3844354.